The following is an entry in ClinVar:

NM_001291303.3(FAT4):c.539A>G (p.Asn180Ser)

Gene: FAT4 (FAT atypical cadherin 4; plus strand). Cytogenetic location: 4q28.1.
Variant type: single nucleotide variant.
Coding change: c.539A>G on transcript NM_001291303.3 (MANE Select); coding-DNA position 539, A replaced by G.
Protein change: p.Asn180Ser; replaces asparagine 180 with serine.
Molecular consequence: missense variant.
Genome position (GRCh38, 1-based): chr4:125,316,950, A>G. VCF-style: chr4-125316950-A-G. GRCh37 (hg19) VCF-style: chr4-126238105-A-G.
Other names: c.539A>G, p.Asn180Ser (NM_001291285.3, NM_024582.6); c.539A>G (NM_024582.4); short protein forms N180S.
Identifiers: ClinVar variation 1963685 (VCV001963685.6), dbSNP rs770627566, ClinGen allele CA3071828.

ClinVar aggregate classification (germline): Uncertain significance. Review status: criteria provided, multiple submitters, no conflicts (2 of 4 stars). 2 submissions from 2 submitters: Uncertain significance (2). Last evaluated 2024-04-16.

Conditions:
Inborn genetic diseases. Identifiers: MedGen C0950123, MeSH D030342.

Allele frequency attached by ClinVar (database versions not stated): gnomAD exomes below 0.00001; ExAC 0.00001.
gnomAD v4.1: 3 of 1,613,936 alleles (0.00019%); highest among the groups gnomAD compares: South Asian, 0.0011%; no homozygotes.

Submissions (2):

Ambry Genetics
Classification: Uncertain significance for Inborn genetic diseases. Last evaluated: 2024-04-16. Review status: criteria provided, single submitter. Criteria: Ambry Variant Classification Scheme 2023. Collection method: clinical testing. Allele origin: germline.

Labcorp Genetics (formerly Invitae), Labcorp
Classification: Uncertain significance. Last evaluated: 2023-08-10. Review status: criteria provided, single submitter. Criteria: Invitae Variant Classification Sherloc (09022015). Collection method: clinical testing. Allele origin: germline.
Comment: ClinVar contains an entry for this variant (Variation ID: 1963685). In summary, the available evidence is currently insufficient to determine the role of this variant in disease. Therefore, it has been classified as a Variant of Uncertain Significance. Advanced modeling of protein sequence and biophysical properties (such as structural, functional, and spatial information, amino acid conservation, physicochemical variation, residue mobility, and thermodynamic stability) performed at Invitae indicates that this missense variant is not expected to disrupt FAT4 protein function. This variant has not been reported in the literature in individuals affected with FAT4-related conditions. This variant is present in population databases (rs770627566, gnomAD 0.003%). This sequence change replaces asparagine, which is neutral and polar, with serine, which is neutral and polar, at codon 180 of the FAT4 protein (p.Asn180Ser).